The following is an entry in ClinVar:

NM_000478.6(ALPL):c.1015G>A (p.Gly339Arg)

Gene: ALPL (alkaline phosphatase, biomineralization associated; plus strand). Cytogenetic location: 1p36.12.
Variant type: single nucleotide variant.
Coding change: c.1015G>A on transcript NM_000478.6 (MANE Select); coding-DNA position 1015, G replaced by A.
Protein change: p.Gly339Arg; replaces glycine 339 with arginine.
Molecular consequence: missense variant.
Genome position (GRCh38, 1-based): chr1:21,575,750, G>A. VCF-style: chr1-21575750-G-A. GRCh37 (hg19) VCF-style: chr1-21902243-G-A.
Other names: c.1015G>A (NM_000478.5); c.850G>A, p.Gly284Arg (NM_001127501.4); c.784G>A, p.Gly262Arg (NM_001177520.3); c.1015G>A, p.Gly339Arg (NM_001369803.2, NM_001369804.2, NM_001369805.2); short protein forms G262R, G284R, G339R.
Identifiers: ClinVar variation 1455036 (VCV001455036.11), dbSNP rs2148189619, ClinGen allele CA338880993.
Genomic context (GRCh38, chr1:21,575,750, plus strand): 5'-CTCCCCTCCTCCCTCACCGAGGCCTTTGCCTTGGTGTCCCAAGGAGGCAGAATTGACCAC[G>A]GGCACCATGAAGGAAAAGCCAAGCAGGCCCTGCATGAGGCGGTGGAGATGGACCGGGCCA-3'
Protein context (NP_000469.3, residues 329-349): LLVEGGRIDH[Gly339Arg]HHEGKAKQAL

ClinVar aggregate classification (germline): Pathogenic/Likely pathogenic. Review status: criteria provided, multiple submitters, no conflicts (2 of 4 stars). 5 submissions from 5 submitters: Pathogenic (3); Likely pathogenic (2). Last evaluated 2025-11-12.

Conditions:
ALPL-related disorder. Also called: ALPL-related disorders; ALPL-related condition.
Hypophosphatasia. Also called: Phosphoethanol-aminuria. Identifiers: Orphanet 436, MedGen C0020630, MeSH D007014, MONDO:0018570.

gnomAD v4.1: 2 of 1,614,140 alleles (0.00012%); highest among the groups gnomAD compares: Non-Finnish European, 0.00017%; no homozygotes.

Submissions (5):

Labcorp Genetics (formerly Invitae), Labcorp
Classification: Pathogenic. Last evaluated: 2025-11-12. Review status: criteria provided, single submitter. Criteria: Invitae Variant Classification Sherloc (09022015). Collection method: clinical testing. Allele origin: germline.
Comment: This sequence change replaces glycine, which is neutral and non-polar, with arginine, which is basic and polar, at codon 339 of the ALPL protein (p.Gly339Arg). This variant is not present in population databases (gnomAD no frequency). This missense change has been observed in individuals with autosomal dominant and autosomal recessive hypophosphatasia (PMID: 11855933, 19500388, 20739387, 24276437). This variant is also known as p.Gly322Arg. ClinVar contains an entry for this variant (Variation ID: 1455036). Invitae Evidence Modeling of protein sequence and biophysical properties (such as structural, functional, and spatial information, amino acid conservation, physicochemical variation, residue mobility, and thermodynamic stability) indicates that this missense variant is expected to disrupt ALPL protein function with a positive predictive value of 95%. Experimental studies have shown that this missense change affects ALPL function (PMID: 19500388). For these reasons, this variant has been classified as Pathogenic.

Genomenon, Inc
Classification: Pathogenic for Hypophosphatasia. Last evaluated: 2025-08-29. Review status: criteria provided, single submitter. Criteria: Genomenon Sequence Variant Interpretation Standards. Collection method: curation. Allele origin: germline. Affected: yes.
Comment: ALPL p.Gly339Arg (c.1015G>A) is a missense variant that changes the amino acid at residue 339 from Glycine to Arginine. This variant has been observed in at least one proband affected with hypophosphatasia (PMID:11855933;32772198;25731960;33814268;32973344). The variant was found to segregate with disease in at least one affected family (PMID:32772198). At least one functional study has demonstrated a substantial alteration in protein function relative to the wild-type (PMID:32160374). It is absent or not present at a significant frequency in gnomAD. In silico models agree that this variant is possibly or probably damaging. In conclusion, we classify ALPL p.Gly339Arg (c.1015G>A) as a pathogenic variant.

Natera, Inc.
Classification: Pathogenic for Hypophosphatasia. Last evaluated: 2024-08-14. Review status: criteria provided, single submitter. Criteria: Natera Variant Classification Schema (03/2026). Collection method: clinical testing. Allele origin: germline.
Comment: The c.1015G>A variant in ALPL is a missense variant predicted to cause substitution of glycine to arginine at amino acid 339. This variant is rare in the general population with a frequency below the threshold expected for the associated phenotype(s). This variant has been observed in one or more individuals affected with the associated recessive disease, as either homozygous or compound heterozygous with a second variant (PMID: 33814268, 33549410, 20739387, 11855933). Additionally, this variant has been observed to segregate in affected family members (PMID: 20739387). Functional studies show that this variant may disrupt protein function (PMID: 32160374). A different variant at the same position has been determined to be Pathogenic or Likely Pathogenic. Computational prediction algorithms indicate this variant is likely to affect gene or protein function. Given the available evidence, this variant is classified as Pathogenic.

JKU Lab, Dept of Paediatrics, Johannes Kepler University
Classification: Likely pathogenic for Hypophosphatasia. Last evaluated: 2023-06-20. Review status: criteria provided, single submitter. Criteria: ACMG Guidelines, 2015. Collection method: clinical testing. Allele origin: germline. Affected: yes. Observed: 1 heterozygote.
Comment: Absent in GnomAD.

Blueprint Genetics
Classification: Likely pathogenic for ALPL-related disorders. Last evaluated: 2019-12-16. Review status: criteria provided, single submitter. Criteria: ACMG Guidelines, 2015. Collection method: clinical testing. Allele origin: germline. Affected: yes. Observed: 2 variant alleles.

Literature cited by the submitters: PubMed 11855933 (cited by 3 submitters); PubMed 19500388 (cited by Labcorp Genetics (formerly Invitae), Labcorp and JKU Lab, Dept of Paediatrics, Johannes Kepler University); PubMed 20739387 (cited by Labcorp Genetics (formerly Invitae), Labcorp and Natera, Inc.); PubMed 24276437 (cited by Labcorp Genetics (formerly Invitae), Labcorp); PubMed 32772198 (cited by Genomenon, Inc); PubMed 25731960 (cited by Genomenon, Inc); PubMed 33814268 (cited by 3 submitters); PubMed 32973344 (cited by Genomenon, Inc); PubMed 32160374 (cited by Genomenon, Inc and Natera, Inc.); PubMed 33549410 (cited by Natera, Inc. and JKU Lab, Dept of Paediatrics, Johannes Kepler University); PubMed 30049651 (cited by JKU Lab, Dept of Paediatrics, Johannes Kepler University); DOI 10.1210/jc.2010-1168 (cited by JKU Lab, Dept of Paediatrics, Johannes Kepler University).